The following is an entry in ClinVar:

ClinVar aggregate classification (germline): Conflicting classifications of pathogenicity. Review status: criteria provided, conflicting classifications (1 of 4 stars). 4 submissions from 4 submitters: Uncertain significance (2); Likely benign (1). 1 of the submissions does not count toward it. Last evaluated 2026-01-26.

Conditions:
MYH6-related disorder. Also called: MYH6-Related Disorders; MYH6-related condition.
Cardiomyopathy (CMYO). Also called: Cardiomyopathies. Identifiers: Orphanet 167848, MedGen C0878544, MONDO:0004994, HP:0001638. Inheritance: Various modes of inheritance.
Hypertrophic cardiomyopathy 14. Identifiers: MedGen C2750467, MONDO:0013197, OMIM 613251.

Submissions (4):

Labcorp Genetics (formerly Invitae), Labcorp
Classification: Likely benign for Hypertrophic cardiomyopathy 14. Last evaluated: 2026-01-26. Review status: criteria provided, single submitter. Criteria: Invitae Variant Classification Sherloc (09022015). Collection method: clinical testing. Allele origin: germline.

CHEO Genetics Diagnostic Laboratory, Children's Hospital of Eastern Ontario
Classification: Uncertain significance for Cardiomyopathy. Last evaluated: 2018-07-26. Review status: criteria provided, single submitter. Criteria: ACMG Guidelines, 2015. Collection method: clinical testing. Allele origin: germline.

Laboratory for Molecular Medicine, Mass General Brigham Personalized Medicine
Classification: Uncertain significance. Last evaluated: 2014-06-11. Review status: criteria provided, single submitter. Criteria: LMM Criteria. Collection method: clinical testing. Allele origin: germline. Observed: 2 variant alleles.
Comment: proposed classification - variant undergoing re-assessment, contact laboratory

PreventionGenetics, part of Exact Sciences
Classification: Likely benign for MYH6-related condition. Last evaluated: 2020-05-26. Review status: no assertion criteria provided. Collection method: clinical testing. Allele origin: germline. Not counted in ClinVar's aggregate classification.
Comment: This variant is classified as likely benign based on ACMG/AMP sequence variant interpretation guidelines (Richards et al. 2015 PMID: 25741868, with internal and published modifications).

NM_002471.4(MYH6):c.3979-7_3979-6del

Gene: MYH6 (myosin heavy chain 6; minus strand). Cytogenetic location: 14q11.2.
Variant type: Deletion.
Coding change: c.3979-7_3979-6del on transcript NM_002471.4 (MANE Select); 7 bases into the intron before coding-DNA position 3979 through 6 bases into the intron before coding-DNA position 3979, 2 bases deleted (TC; older notation c.3979-7_3979-6delTC).
Molecular consequence: intron variant.
Genome position (GRCh38, 1-based): chr14:23,389,061-23,389,062, GA deleted on the plus strand (TC on the coding strand, the reverse complement: MYH6 is on the minus strand); deleting any 2 consecutive bases within chr14:23,389,061-23,389,063 gives the same sequence; the c. name uses the placement nearest the transcript's 3' end. VCF-style (leftmost placement, unchanged base first): chr14-23389060-GGA-G. GRCh37 (hg19) VCF-style: chr14-23858269-GGA-G.
Other names: c.3979-7_3979-6delTC (NM_002471.3).
Identifiers: ClinVar variation 44498 (VCV000044498.15), dbSNP rs796313537, ClinGen allele CA134368.
Genomic context (GRCh38, chr14:23,389,060, plus strand): 5'-AGCAGGTCGCAGTCATGCCGGGCCGACTGCAGTGCATGGGCCAGGGCGTTCTTCGCCTGG[GGA>G]GGGGGGGGGGCACCAGGAGGTGGGAGGGACTCCCTGTGCCCCATTCTCTAGATTCTCTTC-3'